The following is an entry in ClinVar:

NM_000548.5(TSC2):c.5073G>A (p.Met1691Ile)

Gene: TSC2 (TSC complex subunit 2; plus strand). Cytogenetic location: 16p13.3.
Variant type: single nucleotide variant.
Coding change: c.5073G>A on transcript NM_000548.5 (MANE Select); coding-DNA position 5073, G replaced by A.
Protein change: p.Met1691Ile; replaces methionine 1691 with isoleucine.
Molecular consequence: missense variant.
Genome position (GRCh38, 1-based): chr16:2,088,052, G>A. VCF-style: chr16-2088052-G-A. GRCh37 (hg19) VCF-style: chr16-2138053-G-A.
Other names: c.4872G>A, p.Met1624Ile (NM_001077183.3); c.5004G>A, p.Met1668Ile (NM_001114382.3); c.4764G>A, p.Met1588Ile (NM_001318827.2); c.4728G>A, p.Met1576Ile (NM_001318829.2); c.4341G>A, p.Met1447Ile (NM_001318831.2); c.4905G>A, p.Met1635Ile (NM_001318832.2); c.4875G>A, p.Met1625Ile (NM_001363528.2); c.4941G>A, p.Met1647Ile (NM_001370404.1); and 1 more; short protein forms M1625I, M1635I, M1647I, M1648I, M1691I, M1447I, M1576I, M1588I.
Identifiers: ClinVar variation 840587 (VCV000840587.10), dbSNP rs2091087331, ClinGen allele CA394311921.

ClinVar aggregate classification (germline): Uncertain significance. Review status: criteria provided, multiple submitters, no conflicts (2 of 4 stars). 4 submissions from 4 submitters: Uncertain significance (4). Last evaluated 2025-06-23.

Conditions:
Tuberous sclerosis 2 (TSC2). Identifiers: Orphanet 805, MedGen C1860707, MONDO:0013199, OMIM 613254.
Hereditary cancer-predisposing syndrome. Also called: Neoplastic Syndromes, Hereditary; Hereditary neoplastic syndrome; Tumor predisposition; Hereditary Cancer Syndrome. Identifiers: Orphanet 140162, MedGen C0027672, MeSH D009386, MONDO:0015356.
Tuberous sclerosis syndrome (TSC). Also called: Tuberous Sclerosis Complex; Tuberous sclerosis. Identifiers: Orphanet 805, MedGen C0041341, MONDO:0001734.

Submissions (4):

Color Diagnostics, LLC DBA Color Health
Classification: Uncertain significance for Tuberous sclerosis syndrome. Last evaluated: 2025-06-23. Review status: criteria provided, single submitter. Criteria: ACMG Guidelines, 2015. Collection method: clinical testing. Allele origin: germline.
Comment: This missense variant replaces methionine with isoleucine at codon 1691 of the TSC2 protein. Computational prediction is inconclusive regarding the impact of this variant on protein structure and function. To our knowledge, functional studies have not been reported for this variant. This variant has not been reported in individuals affected with TSC2-related disorders in the literature. This variant has not been identified in the general population by the Genome Aggregation Database (gnomAD). The available evidence is insufficient to determine the role of this variant in disease conclusively. Therefore, this variant is classified as a Variant of Uncertain Significance.

Labcorp Genetics (formerly Invitae), Labcorp
Classification: Uncertain significance for Tuberous sclerosis 2. Last evaluated: 2024-08-19. Review status: criteria provided, single submitter. Criteria: Invitae Variant Classification Sherloc (09022015). Collection method: clinical testing. Allele origin: germline.
Comment: This sequence change replaces methionine, which is neutral and non-polar, with isoleucine, which is neutral and non-polar, at codon 1691 of the TSC2 protein (p.Met1691Ile). This variant is not present in population databases (gnomAD no frequency). This variant has not been reported in the literature in individuals affected with TSC2-related conditions. ClinVar contains an entry for this variant (Variation ID: 840587). Invitae Evidence Modeling of protein sequence and biophysical properties (such as structural, functional, and spatial information, amino acid conservation, physicochemical variation, residue mobility, and thermodynamic stability) indicates that this missense variant is not expected to disrupt TSC2 protein function with a negative predictive value of 95%. Algorithms developed to predict the effect of sequence changes on RNA splicing suggest that this variant may create or strengthen a splice site. In summary, the available evidence is currently insufficient to determine the role of this variant in disease. Therefore, it has been classified as a Variant of Uncertain Significance.

All of Us Research Program, National Institutes of Health
Classification: Uncertain significance for Tuberous sclerosis syndrome. Last evaluated: 2023-06-26. Review status: criteria provided, single submitter. Criteria: ACMG Guidelines, 2015. Collection method: clinical testing. Allele origin: germline. Inheritance: Autosomal dominant inheritance. Observed: 1 variant allele, 1 heterozygote.
Comment: This missense variant replaces methionine with isoleucine at codon 1691 of the TSC2 protein. Computational prediction is inconclusive regarding the impact of this variant on protein structure and function (internally defined REVEL score threshold 0.5 < inconclusive < 0.7, PMID: 27666373). To our knowledge, functional studies have not been reported for this variant. This variant has not been reported in individuals affected with TSC2-related disorders in the literature. This variant has not been identified in the general population by the Genome Aggregation Database (gnomAD). The available evidence is insufficient to determine the role of this variant in disease conclusively. Therefore, this variant is classified as a Variant of Uncertain Significance.

This study involves interpretation of variants in research participants for the purpose of population health screening. Participant phenotype was not available at the time of variant classification. Additional details can be found in publication PMID: 35346344, PMCID: PMC8962531

Ambry Genetics
Classification: Uncertain significance for Hereditary cancer-predisposing syndrome. Last evaluated: 2023-06-14. Review status: criteria provided, single submitter. Criteria: Ambry Variant Classification Scheme 2023. Collection method: clinical testing. Allele origin: germline.
Comment: The p.M1691I variant (also known as c.5073G>A), located in coding exon 39 of the TSC2 gene, results from a G to A substitution at nucleotide position 5073. The methionine at codon 1691 is replaced by isoleucine, an amino acid with highly similar properties. This amino acid position is not well conserved in available vertebrate species. In addition, the in silico prediction for this alteration is inconclusive. Since supporting evidence is limited at this time, the clinical significance of this alteration remains unclear.